The following is an entry in ClinVar:

NM_004370.6(COL12A1):c.6478G>A (p.Glu2160Lys)

Gene: COL12A1 (collagen type XII alpha 1 chain; minus strand). Cytogenetic location: 6q13.
Variant type: single nucleotide variant.
Coding change: c.6478G>A on transcript NM_004370.6 (MANE Select); coding-DNA position 6478, G replaced by A.
Protein change: p.Glu2160Lys; replaces glutamic acid 2160 with lysine.
Molecular consequence: missense variant.
Genome position (GRCh38, 1-based): chr6:75,125,256, C>T on the plus strand (G>A on the coding strand, the complement: COL12A1 is on the minus strand). VCF-style: chr6-75125256-C-T. GRCh37 (hg19) VCF-style: chr6-75834972-C-T.
Other names: c.2986G>A, p.Glu996Lys (NM_001424116.1, NM_080645.3); c.6478G>A, p.Glu2160Lys (NM_001424113.1); c.6457G>A, p.Glu2153Lys (NM_001424114.1); c.6205G>A, p.Glu2069Lys (NM_001424115.1); short protein forms E2069K, E2153K, E2160K, E996K.
Identifiers: ClinVar variation 4847377 (VCV004847377.1).

ClinVar aggregate classification (germline): Uncertain significance (1 of 4 stars; one submission).

gnomAD v4.1: 1 of 1,607,100 alleles (0.000062%); highest among the groups gnomAD compares: Non-Finnish European, 0.000085%; no homozygotes.

Submission:

Women's Health and Genetics/Laboratory Corporation of America, LabCorp
Classification: Uncertain significance. Last evaluated: 2026-03-09. Review status: criteria provided, single submitter. Criteria: LabCorp Variant Classification Summary - May 2015. Collection method: clinical testing. Allele origin: germline.
Comment: Variant summary: COL12A1 c.6478G>A (p.Glu2160Lys) results in a conservative amino acid change in the encoded protein sequence. Algorithms developed to predict the effect of missense changes on protein structure and function are either unavailable or do not agree on the potential impact of this missense change. The variant was absent in 243574 control chromosomes. The available data on variant occurrences in the general population are insufficient to allow any conclusion about variant significance. To our knowledge, no occurrence of c.6478G>A in individuals affected with COL12A1-related conditions and no experimental evidence demonstrating its impact on protein function have been reported. No submitters have cited clinical-significance assessments for this variant to ClinVar. Based on the evidence outlined above, the variant was classified as uncertain significance.